The following is an entry in ClinVar:

ClinVar aggregate classification (germline): Likely benign. Review status: criteria provided, single submitter (1 of 4 stars). 2 submissions from 2 submitters: Likely benign (1). 1 of the submissions does not count toward it. Last evaluated 2026-01-04.

Conditions:
Seckel syndrome. Also called: Microcephalic primordial dwarfism. Identifiers: Orphanet 324761, Orphanet 808, MedGen C0265202, MONDO:0019342.
NIN-related disorder. Also called: NIN-related condition.

Allele frequency attached by ClinVar (database versions not stated): gnomAD exomes 0.00009; gnomAD 0.00023; ExAC 0.00026; TOPMed 0.00032; 1000 Genomes Project 30x 0.00078; 1000 Genomes Project 0.00080.
gnomAD v4.1: 180 of 1,614,052 alleles (0.011%); highest among the groups gnomAD compares: East Asian, 0.14%; no homozygotes.

Submissions (2):

Labcorp Genetics (formerly Invitae), Labcorp
Classification: Likely benign. Last evaluated: 2026-01-04. Review status: criteria provided, single submitter. Criteria: Invitae Variant Classification Sherloc (09022015). Collection method: clinical testing. Allele origin: germline.

PreventionGenetics, part of Exact Sciences
Classification: Likely benign for NIN-related condition. Last evaluated: 2023-05-25. Review status: no assertion criteria provided. Collection method: clinical testing. Allele origin: germline. Not counted in ClinVar's aggregate classification.
Comment: This variant is classified as likely benign based on ACMG/AMP sequence variant interpretation guidelines (Richards et al. 2015 PMID: 25741868, with internal and published modifications).

NM_020921.4(NIN):c.5995C>T (p.Arg1999Cys)

Gene: NIN (ninein; minus strand). Cytogenetic location: 14q22.1.
Variant type: single nucleotide variant.
Coding change: c.5995C>T on transcript NM_020921.4 (MANE Select); coding-DNA position 5995, C replaced by T.
Protein change: p.Arg1999Cys; replaces arginine 1999 with cysteine.
Molecular consequence: missense variant.
Genome position (GRCh38, 1-based): chr14:50,729,606, G>A on the plus strand (C>T on the coding strand, the complement: NIN is on the minus strand). VCF-style: chr14-50729606-G-A. GRCh37 (hg19) VCF-style: chr14-51196324-G-A.
Other names: c.3856C>T, p.Arg1286Cys (NM_016350.5); c.5995C>T, p.Arg1999Cys (NM_182944.3, NM_182946.2); c.5995C>T (NM_020921.3); short protein forms R1286C, R1999C.
Identifiers: ClinVar variation 2048346 (VCV002048346.8), dbSNP rs144624455, ClinGen allele CA7181064.